The following is an entry in ClinVar:

ClinVar aggregate classification (germline): Pathogenic/Likely pathogenic. Review status: criteria provided, multiple submitters, no conflicts (2 of 4 stars). 3 submissions from 3 submitters: Pathogenic (2); Likely pathogenic (1). Last evaluated 2022-10-07.

Conditions:
Retinitis pigmentosa 25 (RP25). Identifiers: Orphanet 791, MedGen C1864446, MONDO:0011272, OMIM 602772.
EYS-related disorder. Also called: EYS-related condition.

Submissions (3):

Labcorp Genetics (formerly Invitae), Labcorp
Classification: Pathogenic. Last evaluated: 2022-10-07. Review status: criteria provided, single submitter. Criteria: Invitae Variant Classification Sherloc (09022015). Collection method: clinical testing. Allele origin: germline.
Comment: For these reasons, this variant has been classified as Pathogenic. ClinVar contains an entry for this variant (Variation ID: 866441). This variant has not been reported in the literature in individuals affected with EYS-related conditions. This variant is not present in population databases (gnomAD no frequency). This sequence change creates a premature translational stop signal (p.Lys885*) in the EYS gene. It is expected to result in an absent or disrupted protein product. Loss-of-function variants in EYS are known to be pathogenic (PMID: 18836446, 20333770).

Baylor Genetics
Classification: Likely pathogenic for Retinitis pigmentosa 25. Last evaluated: 2022-09-07. Review status: criteria provided, single submitter. Criteria: ACMG Guidelines, 2015. Collection method: clinical testing. Allele origin: unknown.

Blueprint Genetics
Classification: Pathogenic for EYS-related disorders. Last evaluated: 2021-05-11. Review status: criteria provided, single submitter. Criteria: ACMG Guidelines, 2015. Collection method: clinical testing. Allele origin: germline. Affected: yes. Observed: 3 variant alleles.

Literature cited by the submitters: PubMed 18836446 (cited by Labcorp Genetics (formerly Invitae), Labcorp); PubMed 20333770 (cited by Labcorp Genetics (formerly Invitae), Labcorp).

NM_001142800.2(EYS):c.2652dup (p.Lys885Ter)

Gene: EYS (EGF-like photoreceptor maintenance factor; minus strand). Cytogenetic location: 6q12.
Variant type: Duplication.
Coding change: c.2652dup on transcript NM_001142800.2 (MANE Select); coding-DNA position 2652, one base duplicated (T; older notation c.2652dupT).
Protein change: p.Lys885Ter; replaces lysine 885 with a stop codon.
Molecular consequence: nonsense.
Genome position (GRCh38, 1-based): chr6:64,902,490, A duplicated on the plus strand (T on the coding strand, the reverse complement: EYS is on the minus strand). VCF-style (leftmost placement, unchanged base first): chr6-64902489-T-TA. GRCh37 (hg19) VCF-style: chr6-65612382-T-TA.
Other names: c.2652dup, p.Lys885Ter (NM_001292009.2); short protein forms K885*.
Identifiers: ClinVar variation 866441 (VCV000866441.7), dbSNP rs1767699695, ClinGen allele CA916082868.
Genomic context (GRCh38, chr6:64,902,489, plus strand): 5'-AGTCACCATAATCCTGGCAGGAAAGGAAGAGGCAGTCTTTCACATCAATTTCACAGTTTT[T>TA]ACCTTCAAATTCTGCAAAGAGTATGAGATGAGTATGGATGAGCAATCCTTGTTATAGAGT-3'